The following is an entry in ClinVar:

NM_001606.5(ABCA2):c.6827G>T (p.Arg2276Leu)

Gene: ABCA2 (ATP binding cassette subfamily A member 2; minus strand). Cytogenetic location: 9q34.3.
Variant type: single nucleotide variant.
Coding change: c.6827G>T on transcript NM_001606.5 (MANE Select); coding-DNA position 6827, G replaced by T.
Protein change: p.Arg2276Leu; replaces arginine 2276 with leucine.
Molecular consequence: missense variant.
Genome position (GRCh38, 1-based): chr9:137,009,370, C>A on the plus strand (G>T on the coding strand, the complement: ABCA2 is on the minus strand). VCF-style: chr9-137009370-C-A. GRCh37 (hg19) VCF-style: chr9-139903822-C-A.
Other names: c.6824G>T, p.Arg2275Leu (NM_001411042.1); c.6917G>T, p.Arg2306Leu (NM_212533.3); short protein forms R2275L, R2276L, R2306L.
Identifiers: ClinVar variation 3906383 (VCV003906383.1).

ClinVar aggregate classification (germline): Uncertain significance (1 of 4 stars; one submission).

Submission:

GeneDx
Classification: Uncertain significance. Last evaluated: 2024-12-23. Review status: criteria provided, single submitter. Criteria: GeneDx Variant Classification Process June 2021. Collection method: clinical testing. Allele origin: germline. Affected: yes.
Comment: Not observed at significant frequency in large population cohorts (gnomAD); In silico analysis supports that this missense variant has a deleterious effect on protein structure/function; Has not been previously published as pathogenic or benign to our knowledge